The following is an entry in ClinVar:

ClinVar aggregate classification (germline): Likely benign (0 of 4 stars; one submission).

Conditions:
DAG1-related disorder. Also called: DAG1-related condition.

Allele frequency attached by ClinVar (database versions not stated): TOPMed 0.00002; gnomAD 0.00004; ESP Exome Variant Server 0.00015.

Submission:

PreventionGenetics, part of Exact Sciences
Classification: Likely benign for DAG1-related condition. Last evaluated: 2019-08-08. Review status: no assertion criteria provided. Collection method: clinical testing. Allele origin: germline.
Comment: This variant is classified as likely benign based on ACMG/AMP sequence variant interpretation guidelines (Richards et al. 2015 PMID: 25741868, with internal and published modifications).

NM_004393.6(DAG1):c.897C>T (p.Ile299=)

Gene: DAG1 (dystroglycan 1; plus strand). Cytogenetic location: 3p21.31.
Variant type: single nucleotide variant.
Coding change: c.897C>T on transcript NM_004393.6 (MANE Select); coding-DNA position 897, C replaced by T.
Protein change: p.Ile299=; no amino-acid change (isoleucine 299 retained).
Molecular consequence: synonymous variant.
Genome position (GRCh38, 1-based): chr3:49,531,408, C>T. VCF-style: chr3-49531408-C-T. GRCh37 (hg19) VCF-style: chr3-49568841-C-T.
Other names: c.897C>T, p.Ile299= (NM_001165928.4, NM_001177634.3, NM_001177635.3 and 9 more transcripts).
Identifiers: ClinVar variation 3035202 (VCV003035202.2), dbSNP rs150365056, ClinGen allele CA2398973.